The following is an entry in ClinVar:

ClinVar aggregate classification (germline): Likely pathogenic. Review status: criteria provided, multiple submitters, no conflicts (2 of 4 stars). 2 submissions from 2 submitters: Likely pathogenic (2). Last evaluated 2023-09-21.

Conditions:
Combined deficiency of sialidase AND beta galactosidase (GSL). Also called: Galactosialidosis; CATHEPSIN A DEFICIENCY; GOLDBERG SYNDROME; NEURAMINIDASE DEFICIENCY WITH BETA-GALACTOSIDASE DEFICIENCY; NEURAMINIDASE/BETA-GALACTOSIDASE EXPRESSION; PPCA DEFICIENCY. Identifiers: Orphanet 351, MedGen C0268233, MONDO:0009737, OMIM 256540.

Submissions (2):

Labcorp Genetics (formerly Invitae), Labcorp
Classification: Likely pathogenic for Combined deficiency of sialidase AND beta galactosidase. Last evaluated: 2023-09-21. Review status: criteria provided, single submitter. Criteria: Invitae Variant Classification Sherloc (09022015). Collection method: clinical testing. Allele origin: germline.
Comment: In summary, the currently available evidence indicates that the variant is pathogenic, but additional data are needed to prove that conclusively. Therefore, this variant has been classified as Likely Pathogenic. ClinVar contains an entry for this variant (Variation ID: 977448). This variant has not been reported in the literature in individuals affected with CTSA-related conditions. This variant is not present in population databases (gnomAD no frequency). This variant results in the deletion of part of exon 6 (c.499-18_501del) of the CTSA gene. It is expected to disrupt RNA splicing. Variants that disrupt the donor or acceptor splice site typically lead to a loss of protein function (PMID: 16199547), and loss-of-function variants in CTSA are known to be pathogenic (PMID: 15110321, 23915561).

New York Genome Center
Classification: Likely pathogenic for Combined deficiency of sialidase AND beta galactosidase. Last evaluated: 2019-12-13. Review status: criteria provided, single submitter. Criteria: NYGC Assertion Criteria 2020. Collection method: clinical testing. Allele origin: germline. Observed: 1 heterozygote. Study: CSER-NYCKidSeq.

Literature cited by the submitters: PubMed 16199547 (cited by Labcorp Genetics (formerly Invitae), Labcorp); PubMed 15110321 (cited by Labcorp Genetics (formerly Invitae), Labcorp); PubMed 23915561 (cited by Labcorp Genetics (formerly Invitae), Labcorp).

NM_000308.4(CTSA):c.445-18_447del

Gene: CTSA (cathepsin A; plus strand). Cytogenetic location: 20q13.12.
Variant type: Deletion.
Coding change: c.445-18_447del on transcript NM_000308.4 (MANE Select); 18 bases into the intron before coding-DNA position 445 through coding-DNA position 447, 21 bases deleted (TTGCTCTGCCATCCCCAGGTC).
Molecular consequence: splice acceptor variant.
Genome position (GRCh38, 1-based): chr20:45,892,707-45,892,727, TTGCTCTGCCATCCCCAGGTC deleted; deleting any 21 consecutive bases within chr20:45,892,704-45,892,727 gives the same sequence; the c. name uses the placement nearest the transcript's 3' end. VCF-style (leftmost placement, unchanged base first): chr20-45892703-TGTCTTGCTCTGCCATCCCCAG-T. GRCh37 (hg19) VCF-style: chr20-44521342-TGTCTTGCTCTGCCATCCCCAG-T.
Other names: c.445-18_447del (NM_001127695.3); c.394-18_396del (NM_001167594.3).
Identifiers: ClinVar variation 977448 (VCV000977448.7), dbSNP rs1987030082, ClinGen allele CA1017930927.